The following is an entry in ClinVar:

ClinVar aggregate classification (germline): Uncertain significance (1 of 4 stars; one submission).

Conditions:
Combined immunodeficiency due to LRBA deficiency. Also called: Common variable immunodeficiency 8, with autoimmunity. Identifiers: Orphanet 445018, MedGen C3553512, MONDO:0013863, OMIM 614700.

Allele frequency attached by ClinVar (database versions not stated): gnomAD 0.00019 and 0.00017; ESP Exome Variant Server 0.00023; gnomAD exomes 0.00001 and 0.00006; ExAC 0.00005; TOPMed 0.00014.
gnomAD v4.1: 46 of 1,613,344 alleles (0.0029%); highest among the groups gnomAD compares: African/African-American, 0.047%; no homozygotes.

Submission:

Labcorp Genetics (formerly Invitae), Labcorp
Classification: Uncertain significance for Combined immunodeficiency due to LRBA deficiency. Last evaluated: 2022-09-01. Review status: criteria provided, single submitter. Criteria: Invitae Variant Classification Sherloc (09022015). Collection method: clinical testing. Allele origin: germline.
Comment: This sequence change replaces isoleucine, which is neutral and non-polar, with valine, which is neutral and non-polar, at codon 578 of the LRBA protein (p.Ile578Val). This variant is present in population databases (rs140655974, gnomAD 0.06%). This variant has not been reported in the literature in individuals affected with LRBA-related conditions. ClinVar contains an entry for this variant (Variation ID: 655100). Algorithms developed to predict the effect of missense changes on protein structure and function output the following: SIFT: "Tolerated"; PolyPhen-2: "Benign"; Align-GVGD: "Class C0". The valine amino acid residue is found in multiple mammalian species, which suggests that this missense change does not adversely affect protein function. Algorithms developed to predict the effect of sequence changes on RNA splicing suggest that this variant may create or strengthen a splice site. In summary, the available evidence is currently insufficient to determine the role of this variant in disease. Therefore, it has been classified as a Variant of Uncertain Significance.

NM_001364905.1(LRBA):c.1732A>G (p.Ile578Val)

Gene: LRBA (LPS responsive beige-like anchor protein; minus strand). Cytogenetic location: 4q31.3.
Variant type: single nucleotide variant.
Coding change: c.1732A>G on transcript NM_001364905.1 (MANE Select); coding-DNA position 1732, A replaced by G.
Protein change: p.Ile578Val; replaces isoleucine 578 with valine.
Molecular consequence: missense variant.
Genome position (GRCh38, 1-based): chr4:150,905,861, T>C on the plus strand (A>G on the coding strand, the complement: LRBA is on the minus strand). VCF-style: chr4-150905861-T-C. GRCh37 (hg19) VCF-style: chr4-151827013-T-C.
Other names: c.1732A>G, p.Ile578Val (NM_001199282.3, NM_001367550.1, NM_006726.5); short protein forms I578V.
Identifiers: ClinVar variation 655100 (VCV000655100.8), dbSNP rs140655974, ClinGen allele CA3103498.